The following is an entry in ClinVar:

ClinVar aggregate classification (germline): Conflicting classifications of pathogenicity. Review status: criteria provided, conflicting classifications (1 of 4 stars). 2 submissions from 2 submitters: Uncertain significance (1); Likely benign (1). Last evaluated 2025-03-05.

Conditions:
Cardiovascular phenotype. Identifiers: MedGen CN230736.
Lethal congenital glycogen storage disease of heart. Also called: GLYCOGEN STORAGE DISEASE OF HEART; PHOSPHORYLASE KINASE DEFICIENCY OF HEART. Identifiers: Orphanet 439854, MedGen C1849813, MONDO:0009867, OMIM 261740.

Allele frequency attached by ClinVar (database versions not stated): gnomAD exomes below 0.00001 and 0.00001; TOPMed below 0.00001 and 0.00001; ExAC 0.00002.

Submissions (2):

Labcorp Genetics (formerly Invitae), Labcorp
Classification: Likely benign for Lethal congenital glycogen storage disease of heart. Last evaluated: 2025-03-05. Review status: criteria provided, single submitter. Criteria: Invitae Variant Classification Sherloc (09022015). Collection method: clinical testing. Allele origin: germline.

Ambry Genetics
Classification: Uncertain significance for Cardiovascular phenotype. Last evaluated: 2022-07-17. Review status: criteria provided, single submitter. Criteria: Ambry Variant Classification Scheme 2023. Collection method: clinical testing. Allele origin: germline.
Comment: The p.S211N variant (also known as c.632G>A), located in coding exon 4 of the PRKAG2 gene, results from a G to A substitution at nucleotide position 632. The serine at codon 211 is replaced by asparagine, an amino acid with highly similar properties. This amino acid position is conserved. In addition, this alteration is predicted to be tolerated by in silico analysis. Since supporting evidence is limited at this time, the clinical significance of this alteration remains unclear.

NM_016203.4(PRKAG2):c.632G>A (p.Ser211Asn)

Gene: PRKAG2 (protein kinase AMP-activated non-catalytic subunit gamma 2; minus strand). Cytogenetic location: 7q36.1.
Variant type: single nucleotide variant.
Coding change: c.632G>A on transcript NM_016203.4 (MANE Select); coding-DNA position 632, G replaced by A.
Protein change: p.Ser211Asn; replaces serine 211 with asparagine.
Molecular consequence: missense variant.
Genome position (GRCh38, 1-based): chr7:151,675,472, C>T on the plus strand (G>A on the coding strand, the complement: PRKAG2 is on the minus strand). VCF-style: chr7-151675472-C-T. GRCh37 (hg19) VCF-style: chr7-151372558-C-T.
Other names: c.500G>A, p.Ser167Asn (NM_001040633.2); c.260G>A, p.Ser87Asn (NM_001304527.2, NM_001363698.2); short protein forms S167N, S211N, S87N.
Identifiers: ClinVar variation 1752896 (VCV001752896.7), dbSNP rs768909087, ClinGen allele CA057721.